The following is an entry in ClinVar:

ClinVar aggregate classification (germline): Uncertain significance (1 of 4 stars; one submission).

Conditions:
Vissers-Bodmer syndrome. Identifiers: MedGen C5436647, MONDO:0033618, OMIM 619033.

Submission:

Victorian Clinical Genetics Services, Murdoch Childrens Research Institute
Classification: Uncertain significance for Vissers-Bodmer syndrome. Last evaluated: 2024-10-10. Review status: criteria provided, single submitter. Criteria: ACMG Guidelines, 2015. Collection method: clinical testing. Allele origin: germline. Inheritance: Autosomal dominant inheritance. Affected: yes.
Comment: Based on the classification scheme VCGS_Germline_v1.3.5, this variant is classified as VUS-3B. Following criteria are met: 0102 - Loss of function is a known mechanism of disease in this gene and is associated with Vissers-Bodmer syndrome (MIM#619033). (I) 0107 - This gene is associated with autosomal dominant disease. Holoprosencephaly 12 with or without pancreatic agenesis (MIM#618500) has been associated with the recurrent variant, p.(Arg535Cys) (PMID: 32553196). (I) 0115 - Variants in this gene are known to have variable expressivity (PMID: 32553196). (I) 0200 - Variant is predicted to result in a missense amino acid change from leucine to proline. (I) 0251 - This variant is heterozygous. (I) 0301 - Variant is absent from gnomAD (v2, v3 and v4). (SP) 0502 - Missense variant with conflicting in silico predictions and high conservation. (I) 0600 - Variant is located in the annotated DUF3819 domain (DECIPHER). (I) 0705 - No comparable missense variants have previous evidence for pathogenicity. (I) 0807 - This variant has no previous evidence of pathogenicity. (I) 0905 - No published segregation evidence has been identified for this variant. (I) 1007 - No published functional evidence has been identified for this variant. (I) 1208 - Inheritance information for this variant is not currently available in this individual. (I) Legend: (SP) - Supporting pathogenic, (I) - Information, (SB) - Supporting benign

Literature cited by the submitters: PubMed 32553196.

NM_016284.5(CNOT1):c.4385T>C (p.Leu1462Pro)

Gene: CNOT1 (CCR4-NOT transcription complex subunit 1; minus strand). Cytogenetic location: 16q21.
Variant type: single nucleotide variant.
Coding change: c.4385T>C on transcript NM_016284.5 (MANE Select); coding-DNA position 4385, T replaced by C.
Protein change: p.Leu1462Pro; replaces leucine 1462 with proline.
Molecular consequence: missense variant. On other transcripts: non-coding transcript variant (1).
Genome position (GRCh38, 1-based): chr16:58,543,656, A>G on the plus strand (T>C on the coding strand, the complement: CNOT1 is on the minus strand). VCF-style: chr16-58543656-A-G. GRCh37 (hg19) VCF-style: chr16-58577560-A-G.
Other names: c.4370T>C, p.Leu1457Pro (NM_001265612.2); c.4385T>C, p.Leu1462Pro (NM_206999.3); short protein forms L1457P, L1462P.
Identifiers: ClinVar variation 3376969 (VCV003376969.1).
Genomic context (GRCh38, chr16:58,543,656, plus strand): 5'-AGCCAACTTACACGAAGGGCTGAGGCAAAACTGTTTTTTAAGTTGGTAGATATGCTCATG[A>G]GCAAAGGTTCCCTGCATGTAATCATAGCCATTCCAGCTGTCAAGTTACGCATCATGTGAT-3'
Protein context (NP_057368.3, residues 1452-1472): MAMITCREPL[Leu1462Pro]MSISTNLKNS